The following is an entry in ClinVar:

NM_000094.4(COL7A1):c.2553C>T (p.Arg851=)

Gene: COL7A1 (collagen type VII alpha 1 chain; minus strand). Cytogenetic location: 3p21.31.
Variant type: single nucleotide variant.
Coding change: c.2553C>T on transcript NM_000094.4 (MANE Select); coding-DNA position 2553, C replaced by T.
Protein change: p.Arg851=; no amino-acid change (arginine 851 retained).
Molecular consequence: synonymous variant.
Genome position (GRCh38, 1-based): chr3:48,588,676, G>A on the plus strand (C>T on the coding strand, the complement: COL7A1 is on the minus strand). VCF-style: chr3-48588676-G-A. GRCh37 (hg19) VCF-style: chr3-48626109-G-A.
Identifiers: ClinVar variation 2146321 (VCV002146321.5), dbSNP rs577279100, ClinGen allele CA2380854.

ClinVar aggregate classification (germline): Likely benign. Review status: criteria provided, multiple submitters, no conflicts (2 of 4 stars). 2 submissions from 2 submitters: Likely benign (2). Last evaluated 2025-11-24.

Conditions:
COL7A1-related disorder. Also called: COL7A1- related disorders; COL7A1-related condition.

gnomAD v4.1: 41 of 1,613,708 alleles (0.0025%); highest among the groups gnomAD compares: Admixed American, 0.005%; no homozygotes.

Submissions (2):

PreventionGenetics, part of Exact Sciences
Classification: Likely benign for COL7A1-related condition. Last evaluated: 2025-11-24. Review status: criteria provided, single submitter. Criteria: ACMG Guidelines, 2015. Collection method: clinical testing. Allele origin: germline.
Comment: This variant is classified as likely benign based on ACMG/AMP sequence variant interpretation guidelines (Richards et al. 2015 PMID: 25741868, with internal and published modifications).

Labcorp Genetics (formerly Invitae), Labcorp
Classification: Likely benign. Last evaluated: 2024-12-14. Review status: criteria provided, single submitter. Criteria: Invitae Variant Classification Sherloc (09022015). Collection method: clinical testing. Allele origin: germline.